The following is an entry in ClinVar:

NM_005188.4(CBL):c.2459C>T (p.Pro820Leu)

Gene: CBL (Cbl proto-oncogene; plus strand). Cytogenetic location: 11q23.3.
Variant type: single nucleotide variant.
Coding change: c.2459C>T on transcript NM_005188.4 (MANE Select); coding-DNA position 2459, C replaced by T.
Protein change: p.Pro820Leu; replaces proline 820 with leucine.
Molecular consequence: missense variant.
Genome position (GRCh38, 1-based): chr11:119,299,519, C>T. VCF-style: chr11-119299519-C-T. GRCh37 (hg19) VCF-style: chr11-119170229-C-T.
Other names: short protein forms P820L.
Identifiers: ClinVar variation 3384630 (VCV003384630.1).

ClinVar aggregate classification (germline): Uncertain significance (1 of 4 stars; one submission).

gnomAD v4.1: 1 of 1,614,194 alleles (0.000062%); highest among the groups gnomAD compares: Non-Finnish European, 0.000085%; no homozygotes.

Submission:

GeneDx
Classification: Uncertain significance. Last evaluated: 2024-06-04. Review status: criteria provided, single submitter. Criteria: GeneDx Variant Classification Process June 2021. Collection method: clinical testing. Allele origin: germline. Affected: yes.
Comment: Not observed at significant frequency in large population cohorts (gnomAD); In silico analysis supports that this missense variant has a deleterious effect on protein structure/function; Has not been previously published as pathogenic or benign to our knowledge; This variant is associated with the following publications: (PMID: 11067845)